The following is an entry in ClinVar:

NM_001083962.2(TCF4):c.955C>A (p.Gln319Lys)

Gene: TCF4 (transcription factor 4; minus strand). Cytogenetic location: 18q21.2.
Variant type: single nucleotide variant.
Coding change: c.955C>A on transcript NM_001083962.2 (MANE Select); coding-DNA position 955, C replaced by A.
Protein change: p.Gln319Lys; replaces glutamine 319 with lysine.
Molecular consequence: missense variant.
Genome position (GRCh38, 1-based): chr18:55,261,501, G>T on the plus strand (C>A on the coding strand, the complement: TCF4 is on the minus strand). VCF-style: chr18-55261501-G-T. GRCh37 (hg19) VCF-style: chr18-52928732-G-T.
Other names: c.1261C>A, p.Gln421Lys (NM_001243226.3); c.883C>A, p.Gln295Lys (NM_001243227.2, NM_001306207.1, NM_001348217.1 and 9 more transcripts); c.973C>A, p.Gln325Lys (NM_001243228.2); c.949C>A, p.Gln317Lys (NM_001243230.2); c.829C>A, p.Gln277Lys (NM_001243231.2, NM_001348211.2); c.742C>A, p.Gln248Lys (NM_001243232.1, NM_001306208.1); c.565C>A, p.Gln189Lys (NM_001243233.2, NM_001330605.3, NM_001348212.2 and 1 more transcripts); c.475C>A, p.Gln159Lys (NM_001243234.2, NM_001243235.2, NM_001243236.2 and 2 more transcripts); and 4 more; short protein forms Q189K, Q248K, Q277K, Q319K, Q159K, Q295K, Q421K, Q103K.
Identifiers: ClinVar variation 1411852 (VCV001411852.6), dbSNP rs2145729894, ClinGen allele CA402535167.

ClinVar aggregate classification (germline): Uncertain significance (1 of 4 stars; one submission).

Conditions:
Pitt-Hopkins syndrome (PTHS). Also called: MENTAL RETARDATION, SYNDROMAL, WITH INTERMITTENT HYPERVENTILATION; ENCEPHALOPATHY, SEVERE EPILEPTIC, WITH AUTONOMIC DYSFUNCTION. Identifiers: Orphanet 2896, MedGen C1970431, MONDO:0012589, OMIM 610954.

Submission:

Labcorp Genetics (formerly Invitae), Labcorp
Classification: Uncertain significance for Pitt-Hopkins syndrome. Last evaluated: 2021-08-17. Review status: criteria provided, single submitter. Criteria: Invitae Variant Classification Sherloc (09022015). Collection method: clinical testing. Allele origin: germline.
Comment: In summary, the available evidence is currently insufficient to determine the role of this variant in disease. Therefore, it has been classified as a Variant of Uncertain Significance. Algorithms developed to predict the effect of missense changes on protein structure and function are either unavailable or do not agree on the potential impact of this missense change (SIFT: "Tolerated"; PolyPhen-2: "Possibly Damaging"; Align-GVGD: "Class C0"). This variant has not been reported in the literature in individuals affected with TCF4-related conditions. This variant is not present in population databases (ExAC no frequency). This sequence change replaces glutamine with lysine at codon 319 of the TCF4 protein (p.Gln319Lys). The glutamine residue is moderately conserved and there is a small physicochemical difference between glutamine and lysine.